The following is an entry in ClinVar:

ClinVar aggregate classification (germline): Uncertain significance (1 of 4 stars; one submission).

Conditions:
Craniolenticulosutural dysplasia (CLSD). Also called: BOYADJIEV-JABS SYNDROME. Identifiers: Orphanet 50814, MedGen C1843042, MONDO:0011911, OMIM 607812.

Allele frequency attached by ClinVar (database versions not stated): 1000 Genomes Project 30x 0.00016.
gnomAD v4.1: 85 of 1,585,142 alleles (0.0054%); highest among the groups gnomAD compares: South Asian, 0.056%; 1 homozygote.

Submission:

Labcorp Genetics (formerly Invitae), Labcorp
Classification: Uncertain significance for Craniolenticulosutural dysplasia. Last evaluated: 2025-08-18. Review status: criteria provided, single submitter. Criteria: Invitae Variant Classification Sherloc (09022015). Collection method: clinical testing. Allele origin: germline.
Comment: This sequence change replaces leucine, which is neutral and non-polar, with isoleucine, which is neutral and non-polar, at codon 211 of the SEC23A protein (p.Leu211Ile). This variant is present in population databases (rs8018720, gnomAD 0.07%), and has an allele count higher than expected for a pathogenic variant. This variant has not been reported in the literature in individuals affected with SEC23A-related conditions. ClinVar contains an entry for this variant (Variation ID: 1024104). An algorithm developed to predict the effect of missense changes on protein structure and function outputs the following: PolyPhen-2: "Benign". The isoleucine amino acid residue is found in multiple mammalian species, which suggests that this missense change does not adversely affect protein function. In summary, the available evidence is currently insufficient to determine the role of this variant in disease. Therefore, it has been classified as a Variant of Uncertain Significance.

NM_006364.4(SEC23A):c.631C>A (p.Leu211Ile)

Gene: SEC23A (SEC23 homolog A, COPII component; minus strand). Cytogenetic location: 14q21.1.
Variant type: single nucleotide variant.
Coding change: c.631C>A on transcript NM_006364.4 (MANE Select); coding-DNA position 631, C replaced by A.
Protein change: p.Leu211Ile; replaces leucine 211 with isoleucine.
Molecular consequence: missense variant.
Genome position (GRCh38, 1-based): chr14:39,086,981, G>T on the plus strand (C>A on the coding strand, the complement: SEC23A is on the minus strand). VCF-style: chr14-39086981-G-T. GRCh37 (hg19) VCF-style: chr14-39556185-G-T.
Other names: short protein forms L211I.
Identifiers: ClinVar variation 1024104 (VCV001024104.9), dbSNP rs8018720, ClinGen allele CA7162088.
Genomic context (GRCh38, chr14:39,086,981, plus strand): 5'-TTTATTACCTGTTGGAAGGAGGTGGCTGCTGTACCTGAGGACCACGTGTTGCTTGAGTAA[G>T]TGGTACTTTAGAGAGCCCCAGCATTTCCTGTAAAGAGATTACTTGTGCAATATTCATTTA-3'
Protein context (NP_006355.2, residues 201-221): QEMLGLSKVP[Leu211Ile]TQATRGPQVQ